The following is an entry in ClinVar:

NM_001282112.2(TOP3B):c.1832T>C (p.Phe611Ser)

Gene: TOP3B (DNA topoisomerase III beta; minus strand). Cytogenetic location: 22q11.22.
Variant type: single nucleotide variant.
Coding change: c.1832T>C on transcript NM_001282112.2 (MANE Select); coding-DNA position 1832, T replaced by C.
Protein change: p.Phe611Ser; replaces phenylalanine 611 with serine.
Molecular consequence: missense variant. On other transcripts: non-coding transcript variant (1).
Genome position (GRCh38, 1-based): chr22:21,959,205, A>G on the plus strand (T>C on the coding strand, the complement: TOP3B is on the minus strand). VCF-style: chr22-21959205-A-G. GRCh37 (hg19) VCF-style: chr22-22313577-A-G.
Other names: c.1832T>C, p.Phe611Ser (NM_001282113.2, NM_001349845.2, NM_001349847.2 and 1 more transcripts); c.1424T>C, p.Phe475Ser (NM_001349848.2, NM_001349850.2, NM_001349851.2 and 1 more transcripts); short protein forms F611S, F475S.
Identifiers: ClinVar variation 4995188 (VCV004995188.1).

ClinVar aggregate classification (germline): Uncertain significance (1 of 4 stars; one submission).

Conditions:
TOP3B-related disorder. Also called: TOP3B-related condition.

Submission:

PreventionGenetics, part of Exact Sciences
Classification: Uncertain significance for TOP3B-related condition. Last evaluated: 2025-12-09. Review status: criteria provided, single submitter. Criteria: ACMG Guidelines, 2015. Collection method: clinical testing. Allele origin: germline.
Comment: The TOP3B c.1832T>C variant is predicted to result in the amino acid substitution p.Phe611Ser. To our knowledge, this variant has not been reported in the literature or in a large population database (gnomAD), indicating this variant is rare. At this time, the clinical significance of this variant is uncertain due to the absence of conclusive functional and genetic evidence.